The following is an entry in ClinVar:

NM_005802.5(TOPORS):c.2455A>G (p.Lys819Glu)

Gene: TOPORS (TOP1 binding arginine/serine rich protein, E3 ubiquitin ligase; minus strand). Cytogenetic location: 9p21.1.
Variant type: single nucleotide variant.
Coding change: c.2455A>G on transcript NM_005802.5 (MANE Select); coding-DNA position 2455, A replaced by G.
Protein change: p.Lys819Glu; replaces lysine 819 with glutamic acid.
Molecular consequence: missense variant.
Genome position (GRCh38, 1-based): chr9:32,542,070, T>C on the plus strand (A>G on the coding strand, the complement: TOPORS is on the minus strand). VCF-style: chr9-32542070-T-C. GRCh37 (hg19) VCF-style: chr9-32542068-T-C.
Other names: c.2260A>G, p.Lys754Glu (NM_001195622.2); short protein forms K754E, K819E.
Identifiers: ClinVar variation 966359 (VCV000966359.8), dbSNP rs768332878, ClinGen allele CA5020365.

ClinVar aggregate classification (germline): Uncertain significance. Review status: criteria provided, multiple submitters, no conflicts (2 of 4 stars). 2 submissions from 2 submitters: Uncertain significance (2). Last evaluated 2025-10-19.

Conditions:
TOPORS-related disorder. Also called: TOPORS-related condition.

Allele frequency attached by ClinVar (database versions not stated): ExAC 0.00001; gnomAD 0.00001; gnomAD exomes 0.00002 and 0.00003; TOPMed 0.00002.
gnomAD v4.1: 11 of 1,614,040 alleles (0.00068%); highest among the groups gnomAD compares: Admixed American, 0.018%; no homozygotes.

Submissions (2):

PreventionGenetics, part of Exact Sciences
Classification: Uncertain significance for TOPORS-related condition. Last evaluated: 2025-10-19. Review status: criteria provided, single submitter. Criteria: ACMG Guidelines, 2015. Collection method: clinical testing. Allele origin: germline.
Comment: The TOPORS c.2455A>G variant is predicted to result in the amino acid substitution p.Lys819Glu. To our knowledge, this variant has not been reported in the literature. This variant is reported in 0.023% of alleles in individuals of Latino descent in gnomAD. At this time, the clinical significance of this variant is uncertain due to the absence of conclusive functional and genetic evidence.

Labcorp Genetics (formerly Invitae), Labcorp
Classification: Uncertain significance. Last evaluated: 2024-01-08. Review status: criteria provided, single submitter. Criteria: Invitae Variant Classification Sherloc (09022015). Collection method: clinical testing. Allele origin: germline.
Comment: This sequence change replaces lysine, which is basic and polar, with glutamic acid, which is acidic and polar, at codon 819 of the TOPORS protein (p.Lys819Glu). This variant is present in population databases (rs768332878, gnomAD 0.02%). This missense change has been observed in individual(s) with retinitis pigmentosa (Invitae). ClinVar contains an entry for this variant (Variation ID: 966359). Experimental studies and prediction algorithms are not available or were not evaluated, and the functional significance of this variant is currently unknown. In summary, the available evidence is currently insufficient to determine the role of this variant in disease. Therefore, it has been classified as a Variant of Uncertain Significance.